The following is an entry in ClinVar:

ClinVar aggregate classification (germline): Uncertain significance (1 of 4 stars; one submission).

Submission:

Labcorp Genetics (formerly Invitae), Labcorp
Classification: Uncertain significance. Last evaluated: 2024-02-17. Review status: criteria provided, single submitter. Criteria: Invitae Variant Classification Sherloc (09022015). Collection method: clinical testing. Allele origin: germline.
Comment: This sequence change replaces proline, which is neutral and non-polar, with histidine, which is basic and polar, at codon 261 of the NDUFS3 protein (p.Pro261His). This variant is not present in population databases (gnomAD no frequency). This variant has not been reported in the literature in individuals affected with NDUFS3-related conditions. ClinVar contains an entry for this variant (Variation ID: 2126755). An algorithm developed to predict the effect of missense changes on protein structure and function (PolyPhen-2) suggests that this variant is likely to be disruptive. In summary, the available evidence is currently insufficient to determine the role of this variant in disease. Therefore, it has been classified as a Variant of Uncertain Significance.

NM_004551.3(NDUFS3):c.782C>A (p.Pro261His)

Gene: NDUFS3 (NADH:ubiquinone oxidoreductase core subunit S3; plus strand). Cytogenetic location: 11p11.2.
Variant type: single nucleotide variant.
Coding change: c.782C>A on transcript NM_004551.3 (MANE Select); coding-DNA position 782, C replaced by A.
Protein change: p.Pro261His; replaces proline 261 with histidine.
Molecular consequence: missense variant.
Genome position (GRCh38, 1-based): chr11:47,584,468, C>A. VCF-style: chr11-47584468-C-A. GRCh37 (hg19) VCF-style: chr11-47606020-C-A.
Other names: short protein forms P261H.
Identifiers: ClinVar variation 2126755 (VCV002126755.4), dbSNP rs1325299641, ClinGen allele CA380363033.
Genomic context (GRCh38, chr11:47,584,468, plus strand): 5'-CTTTCCCAGTCTATCGCCAACCCCCGGAGAGTCTCAAGCTTGAAGCCGGAGACAAGAAGC[C>A]TGATGCCAAGTAGCTCCAGGGAACGCATGTGGATCCTAGACAGCGCCTTATCTATGATTG-3'
Protein context (NP_004542.1, residues 251-264): SLKLEAGDKK[Pro261His]DAK